The following is an entry in ClinVar:

NM_003924.4(PHOX2B):c.716G>A (p.Gly239Asp)

Gene: PHOX2B (paired like homeobox 2B; minus strand). Cytogenetic location: 4p13.
Variant type: single nucleotide variant.
Coding change: c.716G>A on transcript NM_003924.4 (MANE Select); coding-DNA position 716, G replaced by A.
Protein change: p.Gly239Asp; replaces glycine 239 with aspartic acid.
Molecular consequence: missense variant.
Genome position (GRCh38, 1-based): chr4:41,746,036, C>T on the plus strand (G>A on the coding strand, the complement: PHOX2B is on the minus strand). VCF-style: chr4-41746036-C-T. GRCh37 (hg19) VCF-style: chr4-41748053-C-T.
Other names: short protein forms G239D.
Identifiers: ClinVar variation 658375 (VCV000658375.12), dbSNP rs1577559052, ClinGen allele CA356737285.
Genomic context (GRCh38, chr4:41,746,036, plus strand): 5'-GCCGCCGCTGCCGCTGCCGCCGCCGCCGCTGCCGCGGCCGCCGCCGCTGCTGCTGCGCCG[C>T]CCTTGCCGGGTTCGCCTCCCGGGCCCCCGGGCCCCGCCGCCCCCGGAGCTCCAGCCGGGC-3'
Protein context (NP_003915.2, residues 229-249): PGGPGGEPGK[Gly239Asp]GAAAAAAAAA

ClinVar aggregate classification (germline): Uncertain significance. Review status: criteria provided, multiple submitters, no conflicts (2 of 4 stars). 3 submissions from 3 submitters: Uncertain significance (3). Last evaluated 2025-09-20.

Conditions:
Neuroblastoma, susceptibility to, 2. Identifiers: Orphanet 635, MedGen C2751682, MONDO:0700041, OMIM 613013.
Central hypoventilation syndrome, congenital, 1, with or without Hirschsprung disease (CCHS1). Also called: Congenital Central Hypoventilation Syndrome (CCHS); CENTRAL HYPOVENTILATION SYNDROME, CONGENITAL, 1; Central hypoventilation syndrome, congenital, 1, with or without Hirschsprung; AUTONOMIC CONTROL, CONGENITAL FAILURE OF; ONDINE CURSE, CONGENITAL. Identifiers: Orphanet 661, MedGen C5562075, MONDO:0800026, OMIM 209880.
Hereditary cancer-predisposing syndrome. Also called: Hereditary neoplastic syndrome; Neoplastic Syndromes, Hereditary; Hereditary Cancer Syndrome; Tumor predisposition. Identifiers: Orphanet 140162, MedGen C0027672, MeSH D009386, MONDO:0015356.
Haddad syndrome (OHD). Also called: Ondine-Hirschsprung disease. Identifiers: Orphanet 99803, MedGen C1859049, MONDO:0020493.

Submissions (3):

Ambry Genetics
Classification: Uncertain significance for Hereditary cancer-predisposing syndrome. Last evaluated: 2025-09-20. Review status: criteria provided, single submitter. Criteria: Ambry Variant Classification Scheme 2023. Collection method: clinical testing. Allele origin: germline.
Comment: The p.G239D variant (also known as c.716G>A), located in coding exon 3 of the PHOX2B gene, results from a G to A substitution at nucleotide position 716. The glycine at codon 239 is replaced by aspartic acid, an amino acid with similar properties. This amino acid position is conserved. In addition, this alteration is predicted to be tolerated by in silico analysis. Since supporting evidence is limited at this time, the clinical significance of this alteration remains unclear.

Fulgent Genetics
Classification: Uncertain significance for Central hypoventilation syndrome, congenital, 1, with or without Hirschsprung disease; Neuroblastoma, susceptibility to, 2. Last evaluated: 2024-02-01. Review status: criteria provided, single submitter. Criteria: ACMG Guidelines, 2015. Collection method: clinical testing. Allele origin: germline.

Labcorp Genetics (formerly Invitae), Labcorp
Classification: Uncertain significance for Haddad syndrome. Last evaluated: 2023-07-17. Review status: criteria provided, single submitter. Criteria: Invitae Variant Classification Sherloc (09022015). Collection method: clinical testing. Allele origin: germline.
Comment: In summary, the available evidence is currently insufficient to determine the role of this variant in disease. Therefore, it has been classified as a Variant of Uncertain Significance. Advanced modeling of protein sequence and biophysical properties (such as structural, functional, and spatial information, amino acid conservation, physicochemical variation, residue mobility, and thermodynamic stability) performed at Invitae indicates that this missense variant is not expected to disrupt PHOX2B protein function. ClinVar contains an entry for this variant (Variation ID: 658375). This variant has not been reported in the literature in individuals affected with PHOX2B-related conditions. This variant is not present in population databases (gnomAD no frequency). This sequence change replaces glycine, which is neutral and non-polar, with aspartic acid, which is acidic and polar, at codon 239 of the PHOX2B protein (p.Gly239Asp).